The following is an entry in ClinVar:

NM_001330260.2(SCN8A):c.1873C>A (p.Arg625Ser)

Gene: SCN8A (sodium voltage-gated channel alpha subunit 8; plus strand). Cytogenetic location: 12q13.13.
Variant type: single nucleotide variant.
Coding change: c.1873C>A on transcript NM_001330260.2 (MANE Select); coding-DNA position 1873, C replaced by A.
Protein change: p.Arg625Ser; replaces arginine 625 with serine.
Molecular consequence: missense variant.
Genome position (GRCh38, 1-based): chr12:51,721,783, C>A. VCF-style: chr12-51721783-C-A. GRCh37 (hg19) VCF-style: chr12-52115567-C-A.
Other names: c.1873C>A, p.Arg625Ser (NM_001177984.3, NM_001369788.1, NM_014191.4); short protein forms R625S.
Identifiers: ClinVar variation 1491129 (VCV001491129.9), dbSNP rs912580884, ClinGen allele CA385229771.

ClinVar aggregate classification (germline): Uncertain significance (1 of 4 stars; one submission).

Conditions:
Early-infantile DEE. Also called: Ohtahara syndrome; Early infantile epileptic encephalopathy; Early infantile epileptic encephalopathy with suppression bursts. Identifiers: Orphanet 1934, MedGen C0393706, MONDO:0800491.

Submission:

Labcorp Genetics (formerly Invitae), Labcorp
Classification: Uncertain significance for Early-infantile DEE. Last evaluated: 2023-10-25. Review status: criteria provided, single submitter. Criteria: Invitae Variant Classification Sherloc (09022015). Collection method: clinical testing. Allele origin: germline.
Comment: This sequence change replaces arginine, which is basic and polar, with serine, which is neutral and polar, at codon 625 of the SCN8A protein (p.Arg625Ser). This variant is not present in population databases (gnomAD no frequency). This variant has not been reported in the literature in individuals affected with SCN8A-related conditions. ClinVar contains an entry for this variant (Variation ID: 1491129). Advanced modeling of protein sequence and biophysical properties (such as structural, functional, and spatial information, amino acid conservation, physicochemical variation, residue mobility, and thermodynamic stability) performed at Invitae indicates that this missense variant is not expected to disrupt SCN8A protein function with a negative predictive value of 95%. In summary, the available evidence is currently insufficient to determine the role of this variant in disease. Therefore, it has been classified as a Variant of Uncertain Significance.